The following is an entry in ClinVar:

ClinVar aggregate classification (germline): Pathogenic. Review status: criteria provided, multiple submitters, no conflicts (2 of 4 stars). 2 submissions from 2 submitters: Pathogenic (2). Last evaluated 2024-01-01.

Conditions:
Wilson disease (WND). Also called: Wilson's disease. Identifiers: Orphanet 905, MedGen C0019202, MONDO:0010200, OMIM 277900. Disease mechanism: loss of function.

Submissions (2):

Chongqing Key Laboratory of Child Rare Diseases in Infection and Immunity, Children’s Hospital of Chongqing Medical University
Classification: Pathogenic for Wilson disease. Last evaluated: 2024-01-01. Review status: criteria provided, single submitter. Criteria: ACMG Guidelines, 2015. Collection method: clinical testing. Allele origin: germline. Inheritance: Autosomal recessive inheritance. Affected: yes.
Comment: Classified as Pathogenic according to the ACMG/AMP 2015 guidelines (PMID:25741868). The classification was based on the available submitted evidence for Wilson disease (OMIM:277900), including clinical-testing observations, variant consequence/protein annotation, and published or ClinVar evidence where available. Supporting information considered: variant annotation: p.Trp712Ter; Nonsense; Protein domain: TM-associated / cytosolic loop; submitted notation: NM_000053.4:c.2135G>A (p.Trp712Ter); source variant type: Nonsense; source domain: TM-associated / cytosolic loop; allele count n=230: 1.

Labcorp Genetics (formerly Invitae), Labcorp
Classification: Pathogenic for Wilson disease. Last evaluated: 2023-10-19. Review status: criteria provided, single submitter. Criteria: Invitae Variant Classification Sherloc (09022015). Collection method: clinical testing. Allele origin: germline.
Comment: This sequence change creates a premature translational stop signal (p.Trp712*) in the ATP7B gene. It is expected to result in an absent or disrupted protein product. Loss-of-function variants in ATP7B are known to be pathogenic (PMID: 10441329, 16283883). This variant is not present in population databases (gnomAD no frequency). This premature translational stop signal has been observed in individual(s) with Wilson disease (PMID: 24094725). For these reasons, this variant has been classified as Pathogenic.

Literature cited by the submitters: PubMed 10441329 (cited by Labcorp Genetics (formerly Invitae), Labcorp); PubMed 16283883 (cited by Labcorp Genetics (formerly Invitae), Labcorp); PubMed 24094725 (cited by Labcorp Genetics (formerly Invitae), Labcorp).

NM_000053.4(ATP7B):c.2135G>A (p.Trp712Ter)

Gene: ATP7B (ATPase copper transporting beta; minus strand). Cytogenetic location: 13q14.3.
Variant type: single nucleotide variant.
Coding change: c.2135G>A on transcript NM_000053.4 (MANE Select); coding-DNA position 2135, G replaced by A.
Protein change: p.Trp712Ter; replaces tryptophan 712 with a stop codon.
Molecular consequence: nonsense. On other transcripts: intron variant (20).
Genome position (GRCh38, 1-based): chr13:51,958,531, C>T on the plus strand (G>A on the coding strand, the complement: ATP7B is on the minus strand). VCF-style: chr13-51958531-C-T. GRCh37 (hg19) VCF-style: chr13-52532667-C-T.
Other names: c.1802G>A, p.Trp601Ter (NM_001243182.2); c.1883G>A, p.Trp628Ter (NM_001330579.2, NM_001406531.1, NM_001406532.1 and 1 more transcripts); c.2135G>A, p.Trp712Ter (NM_001406511.1, NM_001406512.1, NM_001406513.1 and 7 more transcripts); c.2102G>A, p.Trp701Ter (NM_001406514.1); c.2039G>A, p.Trp680Ter (NM_001406517.1, NM_001406518.1); c.1706G>A, p.Trp569Ter (NM_001406539.1); c.1787G>A, p.Trp596Ter (NM_001406543.1); c.1870-924G>A (NM_001406541.1, NM_001005918.3, NM_001406546.1 and 1 more transcripts); and 8 more; short protein forms W596*, W680*, W569*, W601*, W712*, W628*, W701*.
Identifiers: ClinVar variation 2770066 (VCV002770066.4), dbSNP rs2547716524, ClinGen allele CA388023421.
Genomic context (GRCh38, chr13:51,958,531, plus strand): 5'-AGCACGTCCATGTTGGCTGACCTGTGTCTCAGAGATTTGTAGGCCTGAACGTAGAAGTAC[C>T]ACCCACCGAGGAGCTGAAAGACAAGGACAGTGAAGGCTGCCAGCAAGTAGGGAGGAGAGT-3'